The following is an entry in ClinVar:

NM_206933.4(USH2A):c.6712G>A (p.Glu2238Lys)

Gene: USH2A (usherin; minus strand). Cytogenetic location: 1q41.
Variant type: single nucleotide variant.
Coding change: c.6712G>A on transcript NM_206933.4 (MANE Select); coding-DNA position 6712, G replaced by A.
Protein change: p.Glu2238Lys; replaces glutamic acid 2238 with lysine.
Molecular consequence: missense variant.
Genome position (GRCh38, 1-based): chr1:215,993,113, C>T on the plus strand (G>A on the coding strand, the complement: USH2A is on the minus strand). VCF-style: chr1-215993113-C-T. GRCh37 (hg19) VCF-style: chr1-216166455-C-T.
Other names: short protein forms E2238K.
Identifiers: ClinVar variation 866447 (VCV000866447.9), dbSNP rs774634733, ClinGen allele CA1395056.

ClinVar aggregate classification (germline): Uncertain significance. Review status: criteria provided, multiple submitters, no conflicts (2 of 4 stars). 6 submissions from 5 submitters: Uncertain significance (6). Last evaluated 2025-09-13.

Conditions:
Inborn genetic diseases. Identifiers: MedGen C0950123, MeSH D030342.
Retinitis pigmentosa 39 (RP39). Identifiers: Orphanet 791, MedGen C3151138, MONDO:0013436, OMIM 613809.
Usher syndrome type 2A. Also called: USHER SYNDROME, TYPE IIA; RETINAL DISEASE IN USHER SYNDROME TYPE IIA, MODIFIER OF. Identifiers: Orphanet 231178, Orphanet 886, MedGen C1848634, MONDO:0010169, OMIM 276901.
USH2A-related disorder. Also called: USH2A-related condition; USH2A-related disorders. Identifiers: MedGen CN239332.

Allele frequency attached by ClinVar (database versions not stated): gnomAD exomes below 0.00001 and 0.00001; ExAC 0.00001; gnomAD 0.00001; TOPMed 0.00001.
gnomAD v4.1: 12 of 1,613,904 alleles (0.00074%); highest among the groups gnomAD compares: Admixed American, 0.005%; no homozygotes.

Submissions (6):

PreventionGenetics, part of Exact Sciences
Classification: Uncertain significance for USH2A-related condition. Last evaluated: 2025-09-13. Review status: criteria provided, single submitter. Criteria: ACMG Guidelines, 2015. Collection method: clinical testing. Allele origin: germline.
Comment: The USH2A c.6712G>A variant is predicted to result in the amino acid substitution p.Glu2238Lys. To our knowledge, this variant has not been reported in the literature. This variant is reported in 0.00088% of alleles in individuals of European (Non-Finnish) descent in gnomAD. At this time, the clinical significance of this variant is uncertain due to the absence of conclusive functional and genetic evidence.

GeneDx
Classification: Uncertain significance. Last evaluated: 2024-06-17. Review status: criteria provided, single submitter. Criteria: GeneDx Variant Classification Process June 2021. Collection method: clinical testing. Allele origin: germline. Affected: yes.
Comment: Not observed at significant frequency in large population cohorts (gnomAD); In silico analysis supports that this missense variant has a deleterious effect on protein structure/function; Has not been previously published as pathogenic or benign to our knowledge

Blueprint Genetics
Classification: Uncertain significance. Last evaluated: 2024-05-22. Review status: criteria provided, single submitter. Criteria: ACMG Guidelines, 2015. Collection method: clinical testing. Allele origin: germline.

Genome-Nilou Lab
Classification: Uncertain significance for Retinitis pigmentosa 39. Last evaluated: 2023-11-04. Review status: criteria provided, single submitter. Criteria: ACMG Guidelines, 2015. Collection method: clinical testing. Allele origin: germline. Affected: no.

Genome-Nilou Lab
Classification: Uncertain significance for Usher syndrome type 2A. Last evaluated: 2023-11-04. Review status: criteria provided, single submitter. Criteria: ACMG Guidelines, 2015. Collection method: clinical testing. Allele origin: germline. Affected: no.

Ambry Genetics
Classification: Uncertain significance for Inborn genetic diseases. Last evaluated: 2022-04-12. Review status: criteria provided, single submitter. Criteria: Ambry Variant Classification Scheme 2023. Collection method: clinical testing. Allele origin: germline.